The following is an entry in ClinVar:

NM_021005.4(NR2F2):c.179_187del (p.Gln60_Gly62del)

Gene: NR2F2 (nuclear receptor subfamily 2 group F member 2; plus strand). Cytogenetic location: 15q26.2.
Variant type: Deletion.
Coding change: c.179_187del on transcript NM_021005.4 (MANE Select); coding-DNA positions 179 to 187, 9 bases deleted (AGGGCGGCC; older notation c.179_187delAGGGCGGCC).
Protein change: p.Gln60_Gly62del.
Molecular consequence: inframe deletion. On other transcripts: intron variant (1).
Genome position (GRCh38, 1-based): chr15:96,332,284-96,332,292, AGGGCGGCC deleted; deleting any 9 consecutive bases within chr15:96,332,280-96,332,292 gives the same sequence; the c. name uses the placement nearest the transcript's 3' end. VCF-style (leftmost placement, unchanged base first): chr15-96332279-TGGCCAGGGC-T. GRCh37 (hg19) VCF-style: chr15-96875508-TGGCCAGGGC-T.
Other names: c.44-1792_44-1784del (NM_001145155.2).
Identifiers: ClinVar variation 5017422 (VCV005017422.1).

ClinVar aggregate classification (germline): Uncertain significance (1 of 4 stars; one submission).

Submission:

GeneDx
Classification: Uncertain significance. Last evaluated: 2026-03-24. Review status: criteria provided, single submitter. Criteria: GeneDx Variant Classification Process June 2021. Collection method: clinical testing. Allele origin: germline.
Comment: Not observed at significant frequency in large population cohorts (gnomAD); In-frame deletion of 3 amino acid(s) in a non-repeat region; In silico analysis suggests that this variant does not alter protein structure/function; Has not been previously published as pathogenic or benign to our knowledge